The following is an entry in ClinVar:

ClinVar aggregate classification (germline): Benign. Review status: criteria provided, multiple submitters, no conflicts (2 of 4 stars). 5 submissions from 5 submitters: Benign (5). Last evaluated 2026-01-28.

Conditions:
Imerslund-Grasbeck syndrome type 1 (IGS1). Also called: Megaloblastic anemia 1, Finnish type; MEGALOBLASTIC ANEMIA, 1; Imerslund-Gräsbeck syndrome 1. Identifiers: MedGen C4016819, MONDO:0100156, OMIM 261100.
Imerslund-Grasbeck syndrome. Also called: Megaloblastic anemia due to inborn errors of metabolism; Imerslund-Gräsbeck syndrome; ENTEROCYTE COBALAMIN MALABSORPTION; ENTEROCYTE INTRINSIC FACTOR RECEPTOR, DEFECT OF; PERNICIOUS ANEMIA, JUVENILE, DUE TO SELECTIVE INTESTINAL MALABSORPTION OF VITAMIN B12, WITH PROTEINURIA. Identifiers: Orphanet 35858, MedGen C4551825, MONDO:0009853.

Allele frequency attached by ClinVar (database versions not stated): gnomAD 0.02097 and 0.02267; ESP Exome Variant Server 0.02384; gnomAD exomes 0.00581 and 0.00264; ExAC 0.00681; TOPMed 0.02337; 1000 Genomes Project 30x 0.02295; 1000 Genomes Project 0.02157.
gnomAD v4.1: 7,214 of 1,613,334 alleles (0.45%); highest among the groups gnomAD compares: African/African-American, 7.1%; 210 homozygotes.

Submissions (5):

Labcorp Genetics (formerly Invitae), Labcorp
Classification: Benign for Imerslund-Grasbeck syndrome. Last evaluated: 2026-01-28. Review status: criteria provided, single submitter. Criteria: Invitae Variant Classification Sherloc (09022015). Collection method: clinical testing. Allele origin: germline.

ARUP Laboratories, Molecular Genetics and Genomics, ARUP Laboratories
Classification: Benign. Last evaluated: 2025-06-03. Review status: criteria provided, single submitter. Criteria: ARUP Molecular Germline Variant Investigation Process 2024. Collection method: clinical testing. Allele origin: germline.

GeneDx
Classification: Benign. Last evaluated: 2018-11-15. Review status: criteria provided, single submitter. Criteria: GeneDx Variant Classification Process June 2021. Collection method: clinical testing. Allele origin: germline. Affected: yes.
Comment: This variant is associated with the following publications: (PMID: 30900415, 26827111)

Illumina Laboratory Services, Illumina
Classification: Benign for Imerslund-Grasbeck syndrome type 1. Last evaluated: 2018-01-12. Review status: criteria provided, single submitter. Criteria: ICSL Variant Classification Criteria 13 December 2019. Collection method: clinical testing. Allele origin: germline.
Comment: This variant was observed in the ICSL laboratory as part of a predisposition screen in an ostensibly healthy population. It had not been previously curated by ICSL or reported in the Human Gene Mutation Database (HGMD: prior to June 1st, 2018), and was therefore a candidate for classification through an automated scoring system. Utilizing variant allele frequency, disease prevalence and penetrance estimates, and inheritance mode, an automated score was calculated to assess if this variant is too frequent to cause the disease. Based on the score and internal cut-off values, a variant classified as benign is not then subjected to further curation. The score for this variant resulted in a classification of benign for this disease.

Breakthrough Genomics
Classification: Benign. Review status: criteria provided, single submitter. Criteria: ACMG Guidelines, 2015. Collection method: not provided. Allele origin: germline. Inheritance: Autosomal recessive inheritance. Affected: yes.

NM_001081.4(CUBN):c.196G>A (p.Gly66Arg)

Gene: CUBN (cubilin; minus strand). Cytogenetic location: 10p13.
Variant type: single nucleotide variant.
Coding change: c.196G>A on transcript NM_001081.4 (MANE Select); coding-DNA position 196, G replaced by A.
Protein change: p.Gly66Arg; replaces glycine 66 with arginine.
Molecular consequence: missense variant.
Genome position (GRCh38, 1-based): chr10:17,129,177, C>T on the plus strand (G>A on the coding strand, the complement: CUBN is on the minus strand). VCF-style: chr10-17129177-C-T. GRCh37 (hg19) VCF-style: chr10-17171176-C-T.
Other names: short protein forms G66R.
Identifiers: ClinVar variation 299546 (VCV000299546.19), dbSNP rs12259370, ClinGen allele CA5425766.
Genomic context (GRCh38, chr10:17,129,177, plus strand): 5'-TTACCTGATGTAAACACTCACTGAGATCTTCATCATTTAATTTAATTTTTCCCAGGGATC[C>T]GGTTCTAAACTCAATGTTTTGAGCAGACCCCGTAAGAAACACCAAATTTCCTCTCTCTGT-3'
Protein context (NP_001072.2, residues 56-76): GSAQNIEFRT[Gly66Arg]SLGKIKLNDE